The following is an entry in ClinVar:

ClinVar aggregate classification (germline): Pathogenic (1 of 4 stars; one submission).

Conditions:
Renal carnitine transport defect (CDSP). Also called: Carnitine transporter deficiency; Carnitine Deficiency, Systemic; Primary carnitine deficiency; Systemic primary carnitine deficiency; CARNITINE DEFICIENCY, SYSTEMIC, DUE TO DEFECT IN RENAL REABSORPTION OF CARNITINE; CARNITINE TRANSPORTER, PLASMA-MEMBRANE, DEFICIENCY OF. Identifiers: Orphanet 158, MedGen C0342788, MONDO:0008919, OMIM 212140.

Submission:

Labcorp Genetics (formerly Invitae), Labcorp
Classification: Pathogenic for Renal carnitine transport defect. Last evaluated: 2022-06-04. Review status: criteria provided, single submitter. Criteria: Invitae Variant Classification Sherloc (09022015). Collection method: clinical testing. Allele origin: germline.
Comment: This sequence change creates a premature translational stop signal (p.Asp423Glnfs*11) in the SLC22A5 gene. It is expected to result in an absent or disrupted protein product. Loss-of-function variants in SLC22A5 are known to be pathogenic (PMID: 9916797). This variant is not present in population databases (gnomAD no frequency). This variant has not been reported in the literature in individuals affected with SLC22A5-related conditions. For these reasons, this variant has been classified as Pathogenic.

Literature cited by the submitters: PubMed 9916797.

NM_003060.4(SLC22A5):c.1264_1265dup (p.Asp423fs)

Gene: SLC22A5 (solute carrier family 22 member 5; plus strand). Cytogenetic location: 5q31.1.
Variant type: Duplication.
Coding change: c.1264_1265dup on transcript NM_003060.4 (MANE Select); coding-DNA positions 1264 to 1265, 2 bases duplicated (CC; older notation c.1264_1265dupCC).
Protein change: p.Asp423fs; shifts the reading frame from aspartic acid 423.
Molecular consequence: frameshift variant.
Genome position (GRCh38, 1-based): chr5:132,390,901-132,390,902, CC duplicated; duplicating any 2 consecutive bases within chr5:132,390,898-132,390,902 gives the same sequence; the c. name uses the placement nearest the transcript's 3' end. VCF-style (leftmost placement, unchanged base first): chr5-132390897-A-ACC. GRCh37 (hg19) VCF-style: chr5-131726589-A-ACC.
Other names: c.1336_1337dup, p.Asp447fs (NM_001308122.2); short protein forms D447fs, D423fs.
Identifiers: ClinVar variation 2002392 (VCV002002392.4), dbSNP rs2532134878, ClinGen allele CA2580072654.